The following is an entry in ClinVar:

ClinVar aggregate classification (germline): Uncertain significance. Review status: criteria provided, multiple submitters, no conflicts (2 of 4 stars). 2 submissions from 2 submitters: Uncertain significance (2). Last evaluated 2023-06-04.

Conditions:
Neuronopathy, distal hereditary motor, type 7A. Also called: Neuronopathy, distal hereditary motor, type viia; HARPER-YOUNG MYOPATHY; HMN VIIA; SPINAL MUSCULAR ATROPHY, DISTAL, WITH VOCAL CORD PARALYSIS; NEURONOPATHY, DISTAL HEREDITARY MOTOR, HARDING TYPE VIIA; NEUROPATHY, DISTAL HEREDITARY MOTOR, HARDING TYPE VIIA. Identifiers: Orphanet 139589, MedGen C1834703, MONDO:0008024, OMIM 158580.
Congenital myasthenic syndrome 20. Also called: Myasthenic syndrome, congenital, 20, presynaptic. Identifiers: MedGen C4310694, MONDO:0014939, OMIM 617143.
Inborn genetic diseases. Identifiers: MedGen C0950123, MeSH D030342.

Allele frequency attached by ClinVar (database versions not stated): ExAC 0.00001; gnomAD 0.00001; 1000 Genomes Project 30x 0.00016; 1000 Genomes Project 0.00020.
gnomAD v4.1: 5 of 1,605,862 alleles (0.00031%); highest among the groups gnomAD compares: African/African-American, 0.0027%; no homozygotes.

Submissions (2):

Labcorp Genetics (formerly Invitae), Labcorp
Classification: Uncertain significance for Neuronopathy, distal hereditary motor, type 7A; Congenital myasthenic syndrome 20. Last evaluated: 2023-06-04. Review status: criteria provided, single submitter. Criteria: Invitae Variant Classification Sherloc (09022015). Collection method: clinical testing. Allele origin: germline.
Comment: Variants that disrupt the consensus splice site are a relatively common cause of aberrant splicing (PMID: 17576681, 9536098). Algorithms developed to predict the effect of sequence changes on RNA splicing suggest that this variant is not likely to affect RNA splicing. In summary, the available evidence is currently insufficient to determine the role of this variant in disease. Therefore, it has been classified as a Variant of Uncertain Significance. This sequence change falls in intron 2 of the SLC5A7 gene. It does not directly change the encoded amino acid sequence of the SLC5A7 protein. It affects a nucleotide within the consensus splice site. This variant is present in population databases (rs202139534, gnomAD 0.007%). This variant has not been reported in the literature in individuals affected with SLC5A7-related conditions. ClinVar contains an entry for this variant (Variation ID: 1779977).

Ambry Genetics
Classification: Uncertain significance for Inborn genetic diseases. Last evaluated: 2019-11-15. Review status: criteria provided, single submitter. Criteria: Ambry Variant Classification Scheme 2023. Collection method: clinical testing. Allele origin: germline.
Comment: The c.178+4C>G intronic variant results from a C to G substitution 4 nucleotides after coding exon 1 in the SLC5A7 gene. This nucleotide position is not well conserved in available vertebrate species. Using the BDGP and ESEfinder splice site prediction tools, this alteration is not predicted to have any significant effect on this splice donor site; however, direct evidence is unavailable. Since supporting evidence is limited at this time, the clinical significance of this alteration remains unclear.

Literature cited by the submitters: PubMed 17576681 (cited by Labcorp Genetics (formerly Invitae), Labcorp); PubMed 9536098 (cited by Labcorp Genetics (formerly Invitae), Labcorp).

NM_021815.5(SLC5A7):c.178+4C>G

Gene: SLC5A7 (solute carrier family 5 member 7; plus strand). Cytogenetic location: 2q12.3.
Variant type: single nucleotide variant.
Coding change: c.178+4C>G on transcript NM_021815.5 (MANE Select); 4 bases into the intron after coding-DNA position 178, C replaced by G.
Molecular consequence: intron variant.
Genome position (GRCh38, 1-based): chr2:107,988,337, C>G. VCF-style: chr2-107988337-C-G. GRCh37 (hg19) VCF-style: chr2-108604793-C-G.
Other names: c.-527+4C>G (NM_001305007.3); c.178+4C>G (NM_001305005.3); c.-138+1574C>G (NM_001305006.3).
Identifiers: ClinVar variation 1779977 (VCV001779977.5), dbSNP rs202139534, ClinGen allele CA1818889.